The following is an entry in ClinVar:

NM_018834.6(MATR3):c.1953T>G (p.Leu651=)

Genes: MATR3 (matrin 3; plus strand), LOC126807526 (CDK7 strongly-dependent group 2 enhancer GRCh37_chr5:138657767-138658966; plus strand). Cytogenetic location: 5q31.2.
Variant type: single nucleotide variant.
Coding change: c.1953T>G on transcript NM_018834.6 (MANE Select); coding-DNA position 1953, T replaced by G.
Protein change: p.Leu651=; no amino-acid change (leucine 651 retained).
Molecular consequence: synonymous variant.
Genome position (GRCh38, 1-based): chr5:139,322,772, T>G. VCF-style: chr5-139322772-T-G. GRCh37 (hg19) VCF-style: chr5-138658461-T-G.
Other names: c.1953T>G, p.Leu651= (NM_001194954.2, NM_001194955.2, NM_001400441.1 and 16 more transcripts); c.1089T>G, p.Leu363= (NM_001194956.2); c.939T>G, p.Leu313= (NM_001282278.2, NM_001400460.1, NM_001400462.1 and 5 more transcripts); c.1092T>G, p.Leu364= (NM_001400459.1); c.1053T>G, p.Leu351= (NM_001400461.1).
Identifiers: ClinVar variation 3357348 (VCV003357348.1).

ClinVar aggregate classification (germline): Likely benign (0 of 4 stars; one submission).

Conditions:
MATR3-related disorder. Also called: MATR3-related condition.

gnomAD v4.1: 1 of 1,614,166 alleles (0.000062%); no homozygotes.

Submission:

PreventionGenetics, part of Exact Sciences
Classification: Likely benign for MATR3-related condition. Last evaluated: 2024-06-30. Review status: no assertion criteria provided. Collection method: clinical testing. Allele origin: germline.
Comment: This variant is classified as likely benign based on ACMG/AMP sequence variant interpretation guidelines (Richards et al. 2015 PMID: 25741868, with internal and published modifications).